The following is an entry in ClinVar:

ClinVar aggregate classification (germline): Benign. Review status: reviewed by expert panel (3 of 4 stars). 4 submissions from 4 submitters: Benign (1). 3 of the submissions do not count toward it. Last evaluated 2022-09-22.

Conditions:
Very long chain acyl-CoA dehydrogenase deficiency (ACADVLD). Also called: Very Long-Chain Acyl-Coenzyme A Dehydrogenase Deficiency; VLCAD Deficiency. Identifiers: Orphanet 26793, MedGen C3887523, MONDO:0008723, OMIM 201475.

Allele frequency attached by ClinVar (database versions not stated): gnomAD exomes 0.00863; gnomAD 0.00545 and 0.00595; ExAC 0.01154.
gnomAD v4.1: 13,042 of 1,555,394 alleles (0.84%); highest among the groups gnomAD compares: South Asian, 2%; 86 homozygotes.

Submissions (4):

ClinGen ACADVL Variant Curation Expert Panel, ClinGen
Classification: Benign for Very long chain acyl-CoA dehydrogenase deficiency. Last evaluated: 2022-09-22. Review status: reviewed by expert panel. Criteria: clingen acadvl acmg specifications v1. Collection method: curation. Allele origin: germline. Inheritance: Autosomal recessive inheritance.
Comment: The c.-64T>C variant in ACADVL is a 5' UTR variant. The highest population minor allele frequency in gnomAD v2.1.1 is 0.008890 in the European non-Finnish population, which is higher than the ClinGen ACADVL Variant Curation Expert Panel threshold (≥0.007) for BA1, and therefore meets this criterion (BA1). The results from in silico splicing predictors (Alamut) support that this variant does not affect splicing, nor create a start codon (BP4). In summary, this variant meets the criteria to be classified as benign for autosomal recessive very long chain acyl-CoA dehydrogenase (VLCAD) deficiency based on the ACMG/AMP criteria applied, as specified by the ClinGen ACADVL Variant Curation Expert Panel: BA1, BP4.

Genome-Nilou Lab
Classification: Uncertain significance for Very long chain acyl-CoA dehydrogenase deficiency. Last evaluated: 2021-05-18. Review status: criteria provided, single submitter. Criteria: ACMG Guidelines, 2015. Collection method: clinical testing. Allele origin: germline. Affected: no. Not counted in ClinVar's aggregate classification.

Blueprint Genetics
Classification: Likely benign. Last evaluated: 2018-05-29. Review status: criteria provided, single submitter. Criteria: ACMG Guidelines, 2015. Collection method: clinical testing. Allele origin: germline. Not counted in ClinVar's aggregate classification.

Breakthrough Genomics
Classification: Uncertain significance. Review status: criteria provided, single submitter. Criteria: ACMG Guidelines, 2015. Collection method: not provided. Allele origin: germline. Inheritance: Autosomal dominant inheritance. Affected: yes. Not counted in ClinVar's aggregate classification.

NM_001365.4(DLG4):c.-1072A>G

Genes: ACADVL (acyl-CoA dehydrogenase very long chain; plus strand), DLG4 (discs large MAGUK scaffold protein 4; minus strand). Cytogenetic location: 17p13.1.
Variant type: single nucleotide variant.
Coding change: c.-1072A>G on transcript NM_001365.4; 1072 bases upstream of the start codon, A replaced by G.
Molecular consequence: 5 prime UTR variant (on NM_001321074.1). On other transcripts: non-coding transcript variant (1), intron variant (1).
Genome position (GRCh38, 1-based): chr17:7,219,921, T>C on the plus strand (A>G on the coding strand, the complement: DLG4 is on the minus strand). VCF-style: chr17-7219921-T-C. GRCh37 (hg19) VCF-style: chr17-7123240-T-C.
Other names: c.-1072A>G (NM_001321074.1); c.132-201T>C (NM_001270447.2).
Identifiers: ClinVar variation 324980 (VCV000324980.14), dbSNP rs77051465, ClinGen allele CA8337481.